The following is an entry in ClinVar:

NM_001375808.2(LPIN2):c.1793+268C>T

Gene: LPIN2 (lipin 2; minus strand). Cytogenetic location: 18p11.31.
Variant type: single nucleotide variant.
Coding change: c.1793+268C>T on transcript NM_001375808.2 (MANE Select); 268 bases into the intron after coding-DNA position 1793, C replaced by T.
Molecular consequence: intron variant.
Genome position (GRCh38, 1-based): chr18:2,926,455, G>A on the plus strand (C>T on the coding strand, the complement: LPIN2 is on the minus strand). VCF-style: chr18-2926455-G-A. GRCh37 (hg19) VCF-style: chr18-2926453-G-A.
Other names: c.1793+268C>T (NM_014646.2, NM_001375809.1).
Identifiers: ClinVar variation 672553 (VCV000672553.1), dbSNP rs142329002, ClinGen allele CA295495730.

ClinVar aggregate classification (germline): Likely benign (1 of 4 stars; one submission).

Allele frequency attached by ClinVar (database versions not stated): gnomAD 0.01359 and 0.01449; 1000 Genomes Project 0.01458; TOPMed 0.01533; 1000 Genomes Project 30x 0.01686.
gnomAD v4.1: 2,047 of 152,242 alleles (1.3%); highest among the groups gnomAD compares: African/African-American, 4.7%; 53 homozygotes.

Submission:

GeneDx
Classification: Likely benign. Last evaluated: 2018-06-14. Review status: criteria provided, single submitter. Criteria: GeneDx Variant Classification (06012015). Collection method: clinical testing. Allele origin: germline. Affected: yes.
Comment: This variant is considered likely benign or benign based on one or more of the following criteria: it is a conservative change, it occurs at a poorly conserved position in the protein, it is predicted to be benign by multiple in silico algorithms, and/or has population frequency not consistent with disease.